The following is an entry in ClinVar:

NM_020184.4(CNNM4):c.1949-1G>C

Gene: CNNM4 (cyclin and CBS domain divalent metal cation transport mediator 4; plus strand). Cytogenetic location: 2q11.2.
Variant type: single nucleotide variant.
Coding change: c.1949-1G>C on transcript NM_020184.4 (MANE Select); the canonical splice acceptor site of the intron before coding-DNA position 1949, G replaced by C.
Molecular consequence: splice acceptor variant.
Genome position (GRCh38, 1-based): chr2:96,808,560, G>C. VCF-style: chr2-96808560-G-C. GRCh37 (hg19) VCF-style: chr2-97474297-G-C.
Identifiers: ClinVar variation 1488841 (VCV001488841.6), dbSNP rs2153351643, ClinGen allele CA347708453.

ClinVar aggregate classification (germline): Likely pathogenic (1 of 4 stars; one submission).

Submission:

Labcorp Genetics (formerly Invitae), Labcorp
Classification: Likely pathogenic. Last evaluated: 2022-02-09. Review status: criteria provided, single submitter. Criteria: Invitae Variant Classification Sherloc (09022015). Collection method: clinical testing. Allele origin: germline.
Comment: In summary, the currently available evidence indicates that the variant is pathogenic, but additional data are needed to prove that conclusively. Therefore, this variant has been classified as Likely Pathogenic. Algorithms developed to predict the effect of sequence changes on RNA splicing suggest that this variant may disrupt the consensus splice site. This variant has not been reported in the literature in individuals affected with CNNM4-related conditions. This variant is not present in population databases (gnomAD no frequency). This sequence change affects an acceptor splice site in intron 5 of the CNNM4 gene. It is expected to disrupt RNA splicing. Variants that disrupt the donor or acceptor splice site typically lead to a loss of protein function (PMID: 16199547), and loss-of-function variants in CNNM4 are known to be pathogenic (PMID: 19200525).

Literature cited by the submitters: PubMed 16199547; PubMed 19200525.